The following is an entry in ClinVar:

ClinVar aggregate classification (germline): Benign/Likely benign. Review status: criteria provided, multiple submitters, no conflicts (2 of 4 stars). 3 submissions from 3 submitters: Benign (1); Likely benign (1). 1 of the submissions does not count toward it. Last evaluated 2026-04-01.

Conditions:
DNAJC12-related disorder. Also called: DNAJC12-related condition.

Allele frequency attached by ClinVar (database versions not stated): gnomAD exomes 0.00026 and 0.00052; ESP Exome Variant Server 0.00031; TOPMed 0.00033; gnomAD 0.00038 and 0.00041; ExAC 0.00041.
gnomAD v4.1: 468 of 1,614,070 alleles (0.029%); highest among the groups gnomAD compares: Middle Eastern, 0.15%; no homozygotes.

Submissions (3):

CeGaT Center for Human Genetics Tuebingen
Classification: Likely benign. Last evaluated: 2026-04-01. Review status: criteria provided, single submitter. Criteria: CeGaT Center For Human Genetics Tuebingen Variant Classification Criteria Version 2. Collection method: clinical testing. Allele origin: germline. Affected: yes. Observed: 1 variant allele.
Comment: DNAJC12: BP4, BP7

Labcorp Genetics (formerly Invitae), Labcorp
Classification: Benign. Last evaluated: 2026-01-02. Review status: criteria provided, single submitter. Criteria: Invitae Variant Classification Sherloc (09022015). Collection method: clinical testing. Allele origin: germline.

PreventionGenetics, part of Exact Sciences
Classification: Likely benign for DNAJC12-related condition. Last evaluated: 2024-01-30. Review status: no assertion criteria provided. Collection method: clinical testing. Allele origin: germline. Not counted in ClinVar's aggregate classification.
Comment: This variant is classified as likely benign based on ACMG/AMP sequence variant interpretation guidelines (Richards et al. 2015 PMID: 25741868, with internal and published modifications).

NM_021800.3(DNAJC12):c.237A>G (p.Arg79=)

Gene: DNAJC12 (DnaJ heat shock protein family (Hsp40) member C12; minus strand). Cytogenetic location: 10q21.3.
Variant type: single nucleotide variant.
Coding change: c.237A>G on transcript NM_021800.3 (MANE Select); coding-DNA position 237, A replaced by G.
Protein change: p.Arg79=; no amino-acid change (arginine 79 retained).
Molecular consequence: synonymous variant.
Genome position (GRCh38, 1-based): chr10:67,811,584, T>C on the plus strand (A>G on the coding strand, the complement: DNAJC12 is on the minus strand). VCF-style: chr10-67811584-T-C. GRCh37 (hg19) VCF-style: chr10-69571342-T-C.
Other names: c.237A>G, p.Arg79= (NM_201262.2).
Identifiers: ClinVar variation 758174 (VCV000758174.13), dbSNP rs150257519, ClinGen allele CA5520869.